The following is an entry in ClinVar:

ClinVar aggregate classification (germline): Uncertain significance (1 of 4 stars; one submission).

Submission:

Labcorp Genetics (formerly Invitae), Labcorp
Classification: Uncertain significance. Last evaluated: 2020-12-16. Review status: criteria provided, single submitter. Criteria: Invitae Variant Classification Sherloc (09022015). Collection method: clinical testing. Allele origin: germline.
Comment: This sequence change replaces proline with alanine at codon 65 of the SLC26A3 protein (p.Pro65Ala). The proline residue is moderately conserved and there is a small physicochemical difference between proline and alanine. This variant is not present in population databases (ExAC no frequency). This variant has not been reported in the literature in individuals with SLC26A3-related conditions. Algorithms developed to predict the effect of missense changes on protein structure and function are either unavailable or do not agree on the potential impact of this missense change (SIFT: "Tolerated"; PolyPhen-2: "Probably Damaging"; Align-GVGD: "Class C0"). In summary, the available evidence is currently insufficient to determine the role of this variant in disease. Therefore, it has been classified as a Variant of Uncertain Significance.

NM_000111.3(SLC26A3):c.193C>G (p.Pro65Ala)

Gene: SLC26A3 (solute carrier family 26 member 3; minus strand). Cytogenetic location: 7q22.3.
Variant type: single nucleotide variant.
Coding change: c.193C>G on transcript NM_000111.3 (MANE Select); coding-DNA position 193, C replaced by G.
Protein change: p.Pro65Ala; replaces proline 65 with alanine.
Molecular consequence: missense variant.
Genome position (GRCh38, 1-based): chr7:107,793,820, G>C on the plus strand (C>G on the coding strand, the complement: SLC26A3 is on the minus strand). VCF-style: chr7-107793820-G-C. GRCh37 (hg19) VCF-style: chr7-107434265-G-C.
Other names: short protein forms P65A.
Identifiers: ClinVar variation 1460641 (VCV001460641.8), dbSNP rs2115885868, ClinGen allele CA368854220.